The following is an entry in ClinVar:

NM_007294.4(BRCA1):c.5154G>T (p.Trp1718Cys)

Gene: BRCA1 (BRCA1 DNA repair associated; minus strand). Cytogenetic location: 17q21.31.
Variant type: single nucleotide variant.
Coding change: c.5154G>T on transcript NM_007294.4 (MANE Select); coding-DNA position 5154, G replaced by T.
Protein change: p.Trp1718Cys; replaces tryptophan 1718 with cysteine.
Molecular consequence: missense variant. On other transcripts: synonymous variant (2), non-coding transcript variant (1).
Genome position (GRCh38, 1-based): chr17:43,063,372, C>A on the plus strand (G>T on the coding strand, the complement: BRCA1 is on the minus strand). VCF-style: chr17-43063372-C-A. GRCh37 (hg19) VCF-style: chr17-41215389-C-A.
Other names: c.1911G>T, p.Trp637Cys (NM_001407970.1, NM_001407971.1); c.1908G>T, p.Trp636Cys (NM_001407972.1); c.1845G>T, p.Trp615Cys (NM_001407973.1, NM_001407974.1, NM_001407975.1 and 3 more transcripts); c.1842G>T, p.Trp614Cys (NM_001407979.1, NM_001407992.1, NM_001407993.1 and 13 more transcripts); c.5148G>T, p.Trp1716Cys (NM_001407634.1, NM_001407635.1, NM_001407636.1 and 14 more transcripts); c.5145G>T, p.Trp1715Cys (NM_001407644.1, NM_001407645.1); c.5007G>T, p.Trp1669Cys (NM_001407844.1, NM_001407845.1, NM_001407846.1 and 12 more transcripts); c.1719G>T, p.Trp573Cys (NM_001408433.1, NM_001408434.1, NM_001408435.1 and 10 more transcripts); and 73 more; short protein forms W1718C, W1671C, W1739C, W614C, W1422C, W1564C, W1628C, W1629C.
Identifiers: ClinVar variation 55435 (VCV000055435.40), dbSNP rs80357239, ClinGen allele CA003307.

ClinVar aggregate classification (germline): Pathogenic/Likely pathogenic. Review status: criteria provided, multiple submitters, no conflicts (2 of 4 stars). 9 submissions from 9 submitters: Pathogenic (1); Likely pathogenic (5). 3 of the submissions do not count toward it. Last evaluated 2025-10-30.

Conditions:
Breast-ovarian cancer, familial, susceptibility to, 1 (BROVCA1). Also called: BRCA1 Hereditary Breast and Ovarian Cancer; OVARIAN CANCER, SUSCEPTIBILITY TO. Identifiers: Orphanet 145, MedGen C2676676, MONDO:0011450, OMIM 604370. Disease mechanism: loss of function.
Gastric cancer. Also called: Malignant tumor of stomach; Stomach cancer. Identifiers: MedGen C0024623, MeSH D013274, MONDO:0001056, OMIM 613659, HP:0012126.
Hereditary cancer-predisposing syndrome. Also called: Hereditary Cancer Syndrome; Hereditary neoplastic syndrome; Neoplastic Syndromes, Hereditary; Tumor predisposition. Identifiers: Orphanet 140162, MedGen C0027672, MeSH D009386, MONDO:0015356.
Hereditary breast ovarian cancer syndrome. Also called: BRCA1- and BRCA2-Associated Hereditary Breast and Ovarian Cancer; Hereditary breast and ovarian cancer syndrome; Hereditary breast and ovarian cancer syndrome (HBOC); Breast and ovarian cancer; Hereditary breast and/or ovarian cancer syndrome; Hereditary breast and ovarian cancer. Identifiers: Orphanet 145, MedGen C0677776, MeSH D061325, MONDO:0003582. Disease mechanism: loss of function.

Submissions (10):

Labcorp Genetics (formerly Invitae), Labcorp
Classification: Likely pathogenic for Hereditary breast ovarian cancer syndrome. Last evaluated: 2025-10-30. Review status: criteria provided, single submitter. Criteria: Invitae Variant Classification Sherloc (09022015). Collection method: clinical testing. Allele origin: germline.
Comment: This sequence change replaces tryptophan, which is neutral and slightly polar, with cysteine, which is neutral and slightly polar, at codon 1718 of the BRCA1 protein (p.Trp1718Cys). This variant is not present in population databases (gnomAD no frequency). This missense change has been observed in individual(s) with hereditary breast and ovarian cancer (PMID: 12491487, 15172985, 23683081, 25452441, 26153499, 30287823, 31112363). It has also been observed to segregate with disease in related individuals. ClinVar contains an entry for this variant (Variation ID: 55435). An algorithm developed to predict the effect of missense changes on protein structure and function (PolyPhen-2) suggests that this variant is likely to be disruptive. Experimental studies have shown that this missense change affects BRCA1 function (PMID: 14534301, 15172985, 16528612, 20516115, 23867111, 30209399). In summary, the currently available evidence indicates that the variant is pathogenic, but additional data are needed to prove that conclusively. Therefore, this variant has been classified as Likely Pathogenic.

Ambry Genetics
Classification: Likely pathogenic for Hereditary cancer-predisposing syndrome. Last evaluated: 2024-12-11. Review status: criteria provided, single submitter. Criteria: Ambry Variant Classification Scheme 2023. Collection method: clinical testing. Allele origin: germline.
Comment: The p.W1718C variant (also known as c.5154G>T) is located in coding exon 17 of the BRCA1 gene. This alteration results from a G to T substitution at nucleotide position 5154. The tryptophan at codon 1718 is replaced by cysteine, an amino acid with dissimilar properties. A study confirmed the strong adverse effect of this alteration on protein function, including decreased stability (4% of WT), protease activity (<10% of WT), binding specificity (<20% of WT), and transcription activity (<20% of WT) (Lee MS et al. Cancer Res. 2010 Jun 15;70(12):4880-90). This alteration has also been classified as non-functional based on a saturation genome editing functional assay (Findlay GM et al. Nature. 2018 10;562(7726):217-222), and in assays investigating resistance to Olaparib and Cisplatin (Bouwman P et al. Cancer Discov. 2013 Oct;3(10):1142-55). This variant was not reported in population-based cohorts in the Genome Aggregation Database (gnomAD). This amino acid position is highly conserved in available vertebrate species. In addition, this alteration is predicted to be deleterious by in silico analysis. Based on the majority of available evidence to date, this variant is likely to be pathogenic.

GeneDx
Classification: Likely pathogenic. Last evaluated: 2023-11-11. Review status: criteria provided, single submitter. Criteria: GeneDx Variant Classification Process June 2021. Collection method: clinical testing. Allele origin: germline. Affected: yes.
Comment: In silico analysis supports that this missense variant has a deleterious effect on protein structure/function; Not observed at significant frequency in large population cohorts (gnomAD); Also known as 5273G>T; This variant is associated with the following publications: (PMID: 26153499, 14534301, 25724305, 25452441, 12491487, 20516115, 15172985, 23683081, 16528612, 23867111, 12270722, 30209399, 33087888, 28152038, 25348405, 35665744, 32546644, 30765603)

Baylor Genetics
Classification: Likely pathogenic for Breast-ovarian cancer, familial, susceptibility to, 1. Last evaluated: 2022-07-18. Review status: criteria provided, single submitter. Criteria: ACMG Guidelines, 2015. Collection method: clinical testing. Allele origin: unknown.

Women's Health and Genetics/Laboratory Corporation of America, LabCorp
Classification: Pathogenic for Hereditary breast ovarian cancer syndrome. Last evaluated: 2021-02-27. Review status: criteria provided, single submitter. Criteria: LabCorp Variant Classification Summary - May 2015. Collection method: clinical testing. Allele origin: germline.
Comment: Variant summary: BRCA1 c.5154G>T (p.Trp1718Cys) results in a non-conservative amino acid change in the encoded protein sequence. Five of five in-silico tools predict a damaging effect of the variant on protein function. The variant was absent in 250912 control chromosomes. c.5154G>T has been reported in the literature in multiple individuals affected with Hereditary Breast And Ovarian Cancer Syndrome and to co-segregate with disease in at-least one multigenerational family with early onset breast cancer (example, Mirkovic_2004, LaDuca_2017, Blay_2013, Momozawa_2018). These data indicate that the variant is very likely to be associated with disease. Multiple publications report experimental evidence evaluating an impact on protein function. The most pronounced variant effect results in loss of activity in multiple independent assays to include homology directed repair (HDR) capacity, protein folding stability, binding specificity to known functional target of the BRCA1 BRCT domain and transcriptional activity (example, Findlay_2018, Lee_2010). Three clinical diagnostic laboratories have submitted clinical-significance assessments for this variant to ClinVar after 2014 without evidence for independent evaluation. All laboratories classified the variant as likely pathogenic citing overlapping evidence utilized in the context of this evaluation. Based on the evidence outlined above, the variant was classified as pathogenic.

Mendelics
Classification: Likely pathogenic for Breast-ovarian cancer, familial, susceptibility to, 1. Last evaluated: 2019-05-28. Review status: criteria provided, single submitter. Criteria: Mendelics Assertion Criteria 2017. Collection method: clinical testing. Allele origin: unknown.

Laboratory for Genotyping Development, RIKEN
Classification: Pathogenic for Gastric cancer. Last evaluated: 2021-07-01. Review status: no assertion criteria provided. Collection method: research. Allele origin: germline. Not counted in ClinVar's aggregate classification.

Molecular Oncology, Hospital Universitario Central de Asturias (HUCA)
Classification: Pathogenic for Breast-ovarian cancer, familial, susceptibility to, 1. Last evaluated: 2021-05-24. Review status: no assertion criteria provided. Collection method: case-control. Allele origin: germline. Affected: yes. Not counted in ClinVar's aggregate classification.

Breast Cancer Information Core (BIC) (BRCA1)
Classification: Uncertain significance for Breast-ovarian cancer, familial 1. Review status: no assertion criteria provided. Collection method: clinical testing. Allele origin: germline. Affected: yes. Observed: 2 variant alleles. Not counted in ClinVar's aggregate classification.

Brotman Baty Institute, University of Washington
No classification provided (evidence only). Condition: Breast-ovarian cancer, familial 1. Review status: no classification provided. Collection method: in vitro. Allele origin: not applicable. Functional consequence: functionally_abnormal. Not counted in ClinVar's aggregate classification.
ClinVar note: "not provided" was previously submitted as the classification for the variant. However, the classification appeared to be based only on an observation of functional data so it was converted to no classification on 2025-07-30.

Literature cited by the submitters: PubMed 12491487 (cited by Labcorp Genetics (formerly Invitae), Labcorp); PubMed 15172985 (cited by Labcorp Genetics (formerly Invitae), Labcorp and Women's Health and Genetics/Laboratory Corporation of America, LabCorp); PubMed 23683081 (cited by Labcorp Genetics (formerly Invitae), Labcorp and Women's Health and Genetics/Laboratory Corporation of America, LabCorp); PubMed 25452441 (cited by Labcorp Genetics (formerly Invitae), Labcorp and Women's Health and Genetics/Laboratory Corporation of America, LabCorp); PubMed 26153499 (cited by Labcorp Genetics (formerly Invitae), Labcorp); PubMed 30287823 (cited by Labcorp Genetics (formerly Invitae), Labcorp and Women's Health and Genetics/Laboratory Corporation of America, LabCorp); PubMed 31112363 (cited by Labcorp Genetics (formerly Invitae), Labcorp and Women's Health and Genetics/Laboratory Corporation of America, LabCorp); PubMed 14534301 (cited by Labcorp Genetics (formerly Invitae), Labcorp); PubMed 16528612 (cited by Labcorp Genetics (formerly Invitae), Labcorp); PubMed 20516115 (cited by Labcorp Genetics (formerly Invitae), Labcorp and Women's Health and Genetics/Laboratory Corporation of America, LabCorp); PubMed 23867111 (cited by Labcorp Genetics (formerly Invitae), Labcorp and Ambry Genetics); PubMed 30209399 (cited by Labcorp Genetics (formerly Invitae), Labcorp and Women's Health and Genetics/Laboratory Corporation of America, LabCorp); PubMed 38922859 (cited by Ambry Genetics and Molecular Oncology, Hospital Universitario Central de Asturias (HUCA)); PubMed 28152038 (cited by Women's Health and Genetics/Laboratory Corporation of America, LabCorp); PubMed 36988593 (cited by Laboratory for Genotyping Development, RIKEN).